The following is an entry in ClinVar:

NM_015443.4(KANSL1):c.2725-7A>G

Gene: KANSL1 (KAT8 regulatory NSL complex subunit 1). Cytogenetic location: 17q21.31.
Variant type: single nucleotide variant.
Coding change: c.2725-7A>G on transcript NM_015443.4 (MANE Select); 7 bases into the intron before coding-DNA position 2725, A replaced by G.
Molecular consequence: intron variant.
Genome position (GRCh38, 1-based): chr17:46,033,199, T>C on the plus strand (A>G on the coding strand, the complement: KANSL1 is on the minus strand). VCF-style: chr17-46033199-T-C. GRCh37 (hg19) VCF-style: chr17-44110565-T-C.
Other names: c.2722-7A>G (NM_001193465.2); c.2725-7A>G (NM_001379198.1, NM_001193466.2).
Identifiers: ClinVar variation 205749 (VCV000205749.41), dbSNP rs186818985, ClinGen allele CA315127.

ClinVar aggregate classification (germline): Conflicting classifications of pathogenicity. Review status: criteria provided, conflicting classifications (1 of 4 stars). 6 submissions from 6 submitters: Uncertain significance (1); Benign (3); Likely benign (2). Last evaluated 2026-04-01.

Conditions:
Koolen-de Vries syndrome (KDVS). Identifiers: Orphanet 96169, MedGen C1864871, MONDO:0012496, OMIM 610443.

Allele frequency attached by ClinVar (database versions not stated): 1000 Genomes Project 0.00020; gnomAD 0.00024 and 0.00031; gnomAD exomes 0.00025 and 0.00043; TOPMed 0.00025; 1000 Genomes Project 30x 0.00031; ESP Exome Variant Server 0.00038; ExAC 0.00056.
gnomAD v4.1: 420 of 1,583,504 alleles (0.027%); highest among the groups gnomAD compares: Middle Eastern, 0.28%; 2 homozygotes.

Submissions (6):

CeGaT Center for Human Genetics Tuebingen
Classification: Likely benign. Last evaluated: 2026-04-01. Review status: criteria provided, single submitter. Criteria: CeGaT Center For Human Genetics Tuebingen Variant Classification Criteria Version 2. Collection method: clinical testing. Allele origin: germline. Affected: yes. Observed: 4 variant alleles.
Comment: KANSL1: BP4, BS1

Labcorp Genetics (formerly Invitae), Labcorp
Classification: Benign for Koolen-de Vries syndrome. Last evaluated: 2026-02-03. Review status: criteria provided, single submitter. Criteria: Invitae Variant Classification Sherloc (09022015). Collection method: clinical testing. Allele origin: germline.

Athena Diagnostics
Classification: Benign. Last evaluated: 2024-10-02. Review status: criteria provided, single submitter. Criteria: Athena Diagnostics Criteria. Collection method: clinical testing. Allele origin: unknown.

Blueprint Genetics
Classification: Likely benign. Last evaluated: 2024-09-30. Review status: criteria provided, single submitter. Criteria: ACMG Guidelines, 2015. Collection method: clinical testing. Allele origin: germline.

Eurofins Ntd Llc (ga)
Classification: Uncertain significance. Last evaluated: 2017-02-09. Review status: criteria provided, single submitter. Criteria: EGL Classification Definitions 2015. Collection method: clinical testing. Allele origin: germline. Observed: 1 variant allele, 1 heterozygote.

GeneDx
Classification: Benign. Last evaluated: 2015-09-25. Review status: criteria provided, single submitter. Criteria: GeneDx Variant Classification (06012015). Collection method: clinical testing. Allele origin: germline. Affected: yes.
Comment: This variant is considered likely benign or benign based on one or more of the following criteria: it is a conservative change, it occurs at a poorly conserved position in the protein, it is predicted to be benign by multiple in silico algorithms, and/or has population frequency not consistent with disease.

Literature cited by the submitters: PubMed 36303034 (cited by Athena Diagnostics).